The following is an entry in ClinVar:

NM_001194.4(HCN2):c.1950C>T (p.Arg650=)

Gene: HCN2 (hyperpolarization activated cyclic nucleotide gated potassium and sodium channel 2; plus strand). Cytogenetic location: 19p13.3.
Variant type: single nucleotide variant.
Coding change: c.1950C>T on transcript NM_001194.4 (MANE Select); coding-DNA position 1950, C replaced by T.
Protein change: p.Arg650=; no amino-acid change (arginine 650 retained).
Molecular consequence: synonymous variant.
Genome position (GRCh38, 1-based): chr19:613,976, C>T. VCF-style: chr19-613976-C-T. GRCh37 (hg19) VCF-style: chr19-613976-C-T.
Identifiers: ClinVar variation 738163 (VCV000738163.4), dbSNP rs145575878, ClinGen allele CA9018724.
Genomic context (GRCh38, chr19:613,976, plus strand): 5'-CTATTCGCTGAGCGTGGACAACTTCAACGAGGTGCTGGAGGAGTACCCCATGATGCGGCG[C>T]GCCTTCGAGACGGTGGCCATCGACCGCCTGGACCGCATCGGTGAGCGGGCCGGGGGCGTG-3'
Protein context (NP_001185.3, residues 640-660): EVLEEYPMMR[Arg650=]AFETVAIDRL

ClinVar aggregate classification (germline): Benign/Likely benign. Review status: criteria provided, multiple submitters, no conflicts (2 of 4 stars). 2 submissions from 2 submitters: Benign (1); Likely benign (1). Last evaluated 2025-12-04.

Conditions:
HCN2-related disorder. Also called: HCN2-related condition.

Allele frequency attached by ClinVar (database versions not stated): 1000 Genomes Project 0.00020; ExAC 0.00022; 1000 Genomes Project 30x 0.00031; TOPMed 0.00082; ESP Exome Variant Server 0.00085; gnomAD 0.00087 and 0.00094.
gnomAD v4.1: 273 of 1,599,428 alleles (0.017%); highest among the groups gnomAD compares: African/African-American, 0.33%; 1 homozygote.

Submissions (2):

PreventionGenetics, part of Exact Sciences
Classification: Likely benign for HCN2-related condition. Last evaluated: 2025-12-04. Review status: criteria provided, single submitter. Criteria: ACMG Guidelines, 2015. Collection method: clinical testing. Allele origin: germline.
Comment: This variant is classified as likely benign based on ACMG/AMP sequence variant interpretation guidelines (Richards et al. 2015 PMID: 25741868, with internal and published modifications).

Labcorp Genetics (formerly Invitae), Labcorp
Classification: Benign. Last evaluated: 2018-05-03. Review status: criteria provided, single submitter. Criteria: Invitae Variant Classification Sherloc (09022015). Collection method: clinical testing. Allele origin: germline.